The following is an entry in ClinVar:

NM_177438.3(DICER1):c.2662A>G (p.Ser888Gly)

Gene: DICER1 (dicer 1, ribonuclease III; minus strand). Cytogenetic location: 14q32.13.
Variant type: single nucleotide variant.
Coding change: c.2662A>G on transcript NM_177438.3 (MANE Select); coding-DNA position 2662, A replaced by G.
Protein change: p.Ser888Gly; replaces serine 888 with glycine.
Molecular consequence: missense variant. On other transcripts: non-coding transcript variant (6).
Genome position (GRCh38, 1-based): chr14:95,107,750, T>C on the plus strand (A>G on the coding strand, the complement: DICER1 is on the minus strand). VCF-style: chr14-95107750-T-C. GRCh37 (hg19) VCF-style: chr14-95574087-T-C.
Other names: c.2662A>G, p.Ser888Gly (NM_001195573.1, NM_001271282.3, NM_001291628.2 and 13 more transcripts); c.2380A>G, p.Ser794Gly (NM_001395686.1); c.2257A>G, p.Ser753Gly (NM_001395687.1, NM_001395688.1, NM_001395689.1 and 2 more transcripts); c.2095A>G, p.Ser699Gly (NM_001395691.1); c.979A>G, p.Ser327Gly (NM_001395697.1); short protein forms S327G, S699G, S753G, S794G, S888G.
Identifiers: ClinVar variation 3229340 (VCV003229340.2), dbSNP rs2542832416, ClinGen allele CA390880918.

ClinVar aggregate classification (germline): Uncertain significance. Review status: criteria provided, multiple submitters, no conflicts (2 of 4 stars). 2 submissions from 2 submitters: Uncertain significance (2). Last evaluated 2025-08-13.

Conditions:
DICER1-related tumor predisposition. Also called: DICER1-related pleuropulmonary blastoma cancer predisposition syndrome; DICER1 syndrome. Identifiers: Orphanet 284343, MedGen C3839822, MONDO:0100216.
Hereditary cancer-predisposing syndrome. Also called: Hereditary Cancer Syndrome; Tumor predisposition; Neoplastic Syndromes, Hereditary; Hereditary neoplastic syndrome. Identifiers: Orphanet 140162, MedGen C0027672, MeSH D009386, MONDO:0015356.

Submissions (2):

Labcorp Genetics (formerly Invitae), Labcorp
Classification: Uncertain significance for DICER1-related tumor predisposition. Last evaluated: 2025-08-13. Review status: criteria provided, single submitter. Criteria: Invitae Variant Classification Sherloc (09022015). Collection method: clinical testing. Allele origin: germline.
Comment: This sequence change replaces serine, which is neutral and polar, with glycine, which is neutral and non-polar, at codon 888 of the DICER1 protein (p.Ser888Gly). This variant is not present in population databases (gnomAD no frequency). This variant has not been reported in the literature in individuals affected with DICER1-related conditions. ClinVar contains an entry for this variant (Variation ID: 3229340). Invitae Evidence Modeling of protein sequence and biophysical properties (such as structural, functional, and spatial information, amino acid conservation, physicochemical variation, residue mobility, and thermodynamic stability) indicates that this missense variant is not expected to disrupt DICER1 protein function with a negative predictive value of 95%. In summary, the available evidence is currently insufficient to determine the role of this variant in disease. Therefore, it has been classified as a Variant of Uncertain Significance.

Ambry Genetics
Classification: Uncertain significance for Hereditary cancer-predisposing syndrome. Last evaluated: 2024-02-13. Review status: criteria provided, single submitter. Criteria: Ambry Variant Classification Scheme 2023. Collection method: clinical testing. Allele origin: germline.
Comment: The p.S888G variant (also known as c.2662A>G), located in coding exon 16 of the DICER1 gene, results from an A to G substitution at nucleotide position 2662. The serine at codon 888 is replaced by glycine, an amino acid with similar properties. This amino acid position is conserved. In addition, this alteration is predicted to be tolerated by in silico analysis. Based on the available evidence, the clinical significance of this alteration remains unclear.